The following is an entry in ClinVar:

ClinVar aggregate classification (germline): Uncertain significance (1 of 4 stars; one submission).

Allele frequency attached by ClinVar (database versions not stated): gnomAD exomes below 0.00001; ExAC 0.00001.
gnomAD v4.1: 4 of 1,612,908 alleles (0.00025%); highest among the groups gnomAD compares: Middle Eastern, 0.017%; no homozygotes.

Submission:

CeGaT Center for Human Genetics Tuebingen
Classification: Uncertain significance. Last evaluated: 2023-09-01. Review status: criteria provided, single submitter. Criteria: CeGaT Center For Human Genetics Tuebingen Variant Classification Criteria Version 2. Collection method: clinical testing. Allele origin: germline. Affected: yes. Observed: 1 variant allele.
Comment: TTN: PM2, PP3

NM_001267550.2(TTN):c.11311+3257T>C

Gene: TTN (titin; minus strand). Cytogenetic location: 2q31.2.
Variant type: single nucleotide variant.
Coding change: c.11311+3257T>C on transcript NM_001267550.2 (MANE Select); 3257 bases into the intron after coding-DNA position 11311, T replaced by C.
Molecular consequence: intron variant. On other transcripts: missense variant (1).
Genome position (GRCh38, 1-based): chr2:178,749,867, A>G on the plus strand (T>C on the coding strand, the complement: TTN is on the minus strand). VCF-style: chr2-178749867-A-G. GRCh37 (hg19) VCF-style: chr2-179614594-A-G.
Other names: c.12533T>C, p.Leu4178Pro (NM_133379.5); c.10222+3257T>C (NM_003319.4); c.10798+3257T>C (NM_133437.4); c.10597+3257T>C (NM_133432.3); c.10360+3257T>C (NM_133378.4, NM_001256850.1); short protein forms L4178P.
Identifiers: ClinVar variation 2651704 (VCV002651704.24), dbSNP rs750962874, ClinGen allele CA2003534.